The following is an entry in ClinVar:

ClinVar aggregate classification (germline): Uncertain significance. Review status: reviewed by expert panel (3 of 4 stars). 5 submissions from 5 submitters: Uncertain significance (1). 4 of the submissions do not count toward it. Last evaluated 2024-07-11.

Conditions:
Inborn genetic diseases. Identifiers: MedGen C0950123, MeSH D030342.
Acute myeloid leukemia (AML). Also called: Acute myeloid leukemia, adult; AML adult; Acute non-lymphocytic leukemia; Acute granulocytic leukemia; Leukemia, acute myeloid, somatic; Leukemia, acute myelogenous, somatic. Identifiers: Orphanet 519, MedGen C0023467, MeSH D015470, MONDO:0018874, OMIM 601626, HP:0004808. Disease mechanism: Constitutively activated FLT3.
Hereditary thrombocytopenia and hematological cancer predisposition syndrome associated with RUNX1. Also called: Familial Platelet Disorder with Propensity to Acute Myelogenous Leukemia; Familial thrombocytopenia with propensity to acute myelogenous leukemia; RUNX1 Familial Platelet Disorder with Associated Myeloid Malignancies; PLATELET DISORDER, ASPIRIN-LIKE. Identifiers: Orphanet 71290, MedGen C1832388, MeSH C563324, MONDO:0100083, OMIM 601399.

Allele frequency attached by ClinVar (database versions not stated): gnomAD exomes 0.00002 and 0.00001; gnomAD 0.00001; TOPMed 0.00001.
gnomAD v4.1: 16 of 1,528,130 alleles (0.001%); highest among the groups gnomAD compares: Admixed American, 0.002%; no homozygotes.

Submissions (5):

ClinGen Myeloid Malignancy Variant Curation Expert Panel
Classification: Uncertain significance for Hereditary thrombocytopenia and hematological cancer predisposition syndrome associated with RUNX1. Last evaluated: 2024-07-11. Review status: reviewed by expert panel. Criteria: ClinGen MyeloMalig ACMG Specifications v2. Collection method: curation. Allele origin: germline. Inheritance: Autosomal dominant inheritance.
Comment: NM_001754.5(RUNX1):c.1403C>T (p.Pro468Leu) is a missense variant which has a REVEL score < 0.50 (0.05999) and a SpliceAI score ≤ 0.20 (0.0) (BP4). In summary, the clinical significance of this variant is uncertain. ACMG/AMP criteria applied, as specified by the Myeloid Malignancy Variant Curation Expert Panel for RUNX1: BP4.

Labcorp Genetics (formerly Invitae), Labcorp
Classification: Uncertain significance for Hereditary thrombocytopenia and hematological cancer predisposition syndrome associated with RUNX1. Last evaluated: 2025-01-19. Review status: criteria provided, single submitter. Criteria: Invitae Variant Classification Sherloc (09022015). Collection method: clinical testing. Allele origin: germline. Not counted in ClinVar's aggregate classification.
Comment: This sequence change replaces proline, which is neutral and non-polar, with leucine, which is neutral and non-polar, at codon 468 of the RUNX1 protein (p.Pro468Leu). The frequency data for this variant in the population databases is considered unreliable, as metrics indicate poor data quality at this position in the gnomAD database. This variant has not been reported in the literature in individuals affected with RUNX1-related conditions. ClinVar contains an entry for this variant (Variation ID: 641150). Invitae Evidence Modeling of protein sequence and biophysical properties (such as structural, functional, and spatial information, amino acid conservation, physicochemical variation, residue mobility, and thermodynamic stability) has been performed for this missense variant. However, the output from this modeling did not meet the statistical confidence thresholds required to predict the impact of this variant on RUNX1 protein function. In summary, the available evidence is currently insufficient to determine the role of this variant in disease. Therefore, it has been classified as a Variant of Uncertain Significance.

Ambry Genetics
Classification: Uncertain significance for Inborn genetic diseases. Last evaluated: 2024-11-23. Review status: criteria provided, single submitter. Criteria: Ambry Variant Classification Scheme 2023. Collection method: clinical testing. Allele origin: germline. Not counted in ClinVar's aggregate classification.
Comment: The p.P468L variant (also known as c.1403C>T), located in coding exon 8 of the RUNX1 gene, results from a C to T substitution at nucleotide position 1403. The proline at codon 468 is replaced by leucine, an amino acid with similar properties. This amino acid position is conserved. In addition, this alteration is predicted to be tolerated by in silico analysis. Based on the available evidence, the clinical significance of this variant remains unclear.

St. Jude Molecular Pathology, St. Jude Children's Research Hospital
Classification: Uncertain significance for Hereditary thrombocytopenia and hematological cancer predisposition syndrome associated with RUNX1. Last evaluated: 2024-05-29. Review status: criteria provided, single submitter. Criteria: St. Jude Assertion Criteria 2020. Collection method: clinical testing. Allele origin: germline. Not counted in ClinVar's aggregate classification.

Baylor Genetics
Classification: Uncertain significance for Acute myeloid leukemia. Last evaluated: 2023-12-17. Review status: criteria provided, single submitter. Criteria: ACMG Guidelines, 2015. Collection method: clinical testing. Allele origin: unknown. Not counted in ClinVar's aggregate classification.

NM_001754.5(RUNX1):c.1403C>T (p.Pro468Leu)

Gene: RUNX1 (RUNX family transcription factor 1; minus strand). Cytogenetic location: 21q22.12.
Variant type: single nucleotide variant.
Coding change: c.1403C>T on transcript NM_001754.5 (MANE Select); coding-DNA position 1403, C replaced by T.
Protein change: p.Pro468Leu; replaces proline 468 with leucine.
Molecular consequence: missense variant.
Genome position (GRCh38, 1-based): chr21:34,792,175, G>A on the plus strand (C>T on the coding strand, the complement: RUNX1 is on the minus strand). VCF-style: chr21-34792175-G-A. GRCh37 (hg19) VCF-style: chr21-36164472-G-A.
Other names: NM_001754.5(RUNX1):c.1403C>T; p.Pro468Leu; c.1322C>T, p.Pro441Leu (NM_001001890.3); short protein forms P441L, P468L.
Identifiers: ClinVar variation 641150 (VCV000641150.13), dbSNP rs1034562071, ClinGen allele CA320251220.